The following is an entry in ClinVar:

ClinVar aggregate classification (germline): Benign/Likely benign. Review status: criteria provided, multiple submitters, no conflicts (2 of 4 stars). 3 submissions from 3 submitters: Benign (1); Likely benign (2). Last evaluated 2024-11-05.

Conditions:
Renal cell carcinoma. Identifiers: Orphanet 217071, MedGen C0007134, MeSH D002292, MONDO:0005086, HP:0005584.
Papillary renal cell carcinoma type 1 (RCCP1). Also called: Renal adenocarcinoma; Renal cell carcinoma 1; Renal cell carcinoma, somatic; RENAL CELL CARCINOMA, PAPILLARY, 1, SOMATIC. Identifiers: Orphanet 47044, MedGen C1336839, OMIM 605074, HP:0011797.
Hereditary cancer-predisposing syndrome. Also called: Neoplastic Syndromes, Hereditary; Hereditary Cancer Syndrome; Tumor predisposition; Hereditary neoplastic syndrome. Identifiers: Orphanet 140162, MedGen C0027672, MeSH D009386, MONDO:0015356.

gnomAD v4.1: 3 of 1,613,956 alleles (0.00019%); highest among the groups gnomAD compares: Non-Finnish European, 0.00017%; no homozygotes.

Submissions (3):

Myriad Genetics, Inc.
Classification: Benign for Papillary renal cell carcinoma type 1. Last evaluated: 2024-11-05. Review status: criteria provided, single submitter. Criteria: Myriad Autosomal Dominant, Autosomal Recessive and X-Linked Classification Criteria (2023). Collection method: clinical testing. Allele origin: unknown.
Comment: This variant is considered benign. This variant is a silent/synonymous amino acid change and it is not expected to impact splicing.

Labcorp Genetics (formerly Invitae), Labcorp
Classification: Likely benign for Renal cell carcinoma. Last evaluated: 2024-06-03. Review status: criteria provided, single submitter. Criteria: Invitae Variant Classification Sherloc (09022015). Collection method: clinical testing. Allele origin: germline.

Ambry Genetics
Classification: Likely benign for Hereditary cancer-predisposing syndrome. Last evaluated: 2022-02-23. Review status: criteria provided, single submitter. Criteria: Ambry Variant Classification Scheme 2023. Collection method: clinical testing. Allele origin: germline.

NM_000245.4(MET):c.93A>G (p.Ala31=)

Gene: MET (MET proto-oncogene, receptor tyrosine kinase; plus strand). Cytogenetic location: 7q31.2.
Variant type: single nucleotide variant.
Coding change: c.93A>G on transcript NM_000245.4 (MANE Select); coding-DNA position 93, A replaced by G.
Protein change: p.Ala31=; no amino-acid change (alanine 31 retained).
Molecular consequence: synonymous variant. On other transcripts: intron variant (1).
Genome position (GRCh38, 1-based): chr7:116,699,177, A>G. VCF-style: chr7-116699177-A-G. GRCh37 (hg19) VCF-style: chr7-116339231-A-G.
Other names: c.93A>G, p.Ala31= (NM_001127500.3, NM_001324401.3); c.-91+26600A>G (NM_001324402.2).
Identifiers: ClinVar variation 705401 (VCV000705401.12), dbSNP rs763196530, ClinGen allele CA457447937.